The following is an entry in ClinVar:

ClinVar aggregate classification (germline): Uncertain significance. Review status: criteria provided, multiple submitters, no conflicts (2 of 4 stars). 2 submissions from 2 submitters: Uncertain significance (2). Last evaluated 2025-07-03.

Conditions:
Hereditary cancer-predisposing syndrome. Also called: Hereditary Cancer Syndrome; Tumor predisposition; Hereditary neoplastic syndrome; Neoplastic Syndromes, Hereditary. Identifiers: Orphanet 140162, MedGen C0027672, MeSH D009386, MONDO:0015356.
Renal cell carcinoma. Identifiers: Orphanet 217071, MedGen C0007134, MeSH D002292, MONDO:0005086, HP:0005584.

Submissions (2):

Ambry Genetics
Classification: Uncertain significance for Hereditary cancer-predisposing syndrome. Last evaluated: 2025-07-03. Review status: criteria provided, single submitter. Criteria: Ambry Variant Classification Scheme 2023. Collection method: clinical testing. Allele origin: germline.
Comment: The c.1392+3A>G intronic variant results from an A to G substitution 3 nucleotides after coding exon 2 in the MET gene. This nucleotide position is well conserved in available vertebrate species. In silico splice site analysis predicts that this alteration will not have any significant effect on splicing. Based on the available evidence, the clinical significance of this variant remains unclear.

Labcorp Genetics (formerly Invitae), Labcorp
Classification: Uncertain significance for Renal cell carcinoma. Last evaluated: 2023-08-11. Review status: criteria provided, single submitter. Criteria: Invitae Variant Classification Sherloc (09022015). Collection method: clinical testing. Allele origin: germline.
Comment: In summary, the available evidence is currently insufficient to determine the role of this variant in disease. Therefore, it has been classified as a Variant of Uncertain Significance. Variants that disrupt the consensus splice site are a relatively common cause of aberrant splicing (PMID: 17576681, 9536098). Algorithms developed to predict the effect of sequence changes on RNA splicing suggest that this variant is not likely to affect RNA splicing. This variant has not been reported in the literature in individuals affected with MET-related conditions. This variant is not present in population databases (gnomAD no frequency). This sequence change falls in intron 3 of the MET gene. It does not directly change the encoded amino acid sequence of the MET protein. It affects a nucleotide within the consensus splice site.

Literature cited by the submitters: PubMed 17576681 (cited by Labcorp Genetics (formerly Invitae), Labcorp); PubMed 9536098 (cited by Labcorp Genetics (formerly Invitae), Labcorp).

NM_000245.4(MET):c.1392+3A>G

Gene: MET (MET proto-oncogene, receptor tyrosine kinase; plus strand). Cytogenetic location: 7q31.2.
Variant type: single nucleotide variant.
Coding change: c.1392+3A>G on transcript NM_000245.4 (MANE Select); 3 bases into the intron after coding-DNA position 1392, A replaced by G.
Molecular consequence: intron variant.
Genome position (GRCh38, 1-based): chr7:116,731,862, A>G. VCF-style: chr7-116731862-A-G. GRCh37 (hg19) VCF-style: chr7-116371916-A-G.
Other names: c.1392+3A>G (NM_001127500.3, NM_001324401.3, NM_001127500.1); c.102+3A>G (NM_001324402.2).
Identifiers: ClinVar variation 2909718 (VCV002909718.4), dbSNP rs2116784571, ClinGen allele CA2715549650.
Genomic context (GRCh38, chr7:116,731,862, plus strand): 5'-CATTAAAGGAGACCTCACCATAGCTAATCTTGGGACATCAGAGGGTCGCTTCATGCAGGT[A>G]AGTGCTTTCTGAGAGTAGCTGTGTCTGTTCTATCTGGTATTGTGCAATTAATTTGTTTTC-3'